The following is an entry in ClinVar:

NC_000016.10:g.(?_47669195)_(47669437_?)del

Gene: PHKB (phosphorylase kinase regulatory subunit beta; plus strand). Cytogenetic location: 16q12.1.
Variant type: Deletion.
Identifiers: ClinVar variation 583761 (VCV000583761.6).

ClinVar aggregate classification (germline): Pathogenic (1 of 4 stars; one submission).

Conditions:
Glycogen storage disease IXb (GSD9B). Also called: PHOSPHORYLASE KINASE DEFICIENCY OF LIVER AND MUSCLE, AUTOSOMAL RECESSIVE; GLYCOGENOSIS OF LIVER AND MUSCLE, AUTOSOMAL RECESSIVE; GSD IXb. Identifiers: Orphanet 79240, MedGen C0543514, MONDO:0009868, OMIM 261750.

Submission:

Labcorp Genetics (formerly Invitae), Labcorp
Classification: Pathogenic for Glycogen storage disease IXb. Last evaluated: 2019-06-19. Review status: criteria provided, single submitter. Criteria: Invitae Variant Classification Sherloc (09022015). Collection method: clinical testing. Allele origin: germline.
Comment: For these reasons, this variant has been classified as Pathogenic. Loss-of-function variants in PHKB are known to be pathogenic (PMID: 9215682, 9326319). This variant has not been reported in the literature in individuals with PHKB-related disease. This variant is an out-of-frame deletion of the genomic region encompassing exon 26 of the PHKB gene. This is expected to create a premature translational stop signal and result in an absent or disrupted protein product.

Literature cited by the submitters: PubMed 9215682; PubMed 9326319.